The following is an entry in ClinVar:

NM_000059.4(BRCA2):c.8414_8416delinsC (p.Leu2805fs)

Gene: BRCA2 (BRCA2 DNA repair associated; plus strand). Cytogenetic location: 13q13.1.
Variant type: Indel.
Coding change: c.8414_8416delinsC on transcript NM_000059.4 (MANE Select); coding-DNA positions 8414 to 8416, TAT replaced by C.
Protein change: p.Leu2805fs; shifts the reading frame from leucine 2805.
Molecular consequence: frameshift variant.
Genome position (GRCh38, 1-based): chr13:32,370,484-32,370,486, TAT replaced by C. VCF-style: chr13-32370484-TAT-C. GRCh37 (hg19) VCF-style: chr13-32944621-TAT-C.
Other names: 8642del3insC; c.8414_8416delTATinsC (NM_000059.3); short protein forms L2805fs.
Identifiers: ClinVar variation 38159 (VCV000038159.24), dbSNP rs397507402, ClinGen allele CA025629.

ClinVar aggregate classification (germline): Pathogenic. Review status: reviewed by expert panel (3 of 4 stars). 12 submissions from 12 submitters: Pathogenic (1). 11 of the submissions do not count toward it. Last evaluated 2016-09-08.

Conditions:
Inherited breast cancer and ovarian cancer.
Hereditary cancer-predisposing syndrome. Also called: Hereditary Cancer Syndrome; Hereditary neoplastic syndrome; Neoplastic Syndromes, Hereditary; Tumor predisposition. Identifiers: Orphanet 140162, MedGen C0027672, MeSH D009386, MONDO:0015356.
Breast-ovarian cancer, familial, susceptibility to, 2 (BROVCA2). Also called: BRCA2 Hereditary Breast and Ovarian Cancer. Identifiers: Orphanet 145, MedGen C2675520, MONDO:0012933, OMIM 612555. Disease mechanism: loss of function.
Familial cancer of breast. Also called: BREAST CANCER, FAMILIAL; Hereditary breast cancer; hereditary breast carcinoma. Identifiers: Orphanet 227535, MedGen C0346153, MONDO:0016419, OMIM 114480. Disease mechanism: loss of function.
Hereditary breast ovarian cancer syndrome. Also called: Breast and ovarian cancer; BRCA1- and BRCA2-Associated Hereditary Breast and Ovarian Cancer; Hereditary breast and/or ovarian cancer syndrome; Hereditary breast and ovarian cancer; Hereditary breast and ovarian cancer syndrome; Hereditary breast and ovarian cancer syndrome (HBOC). Identifiers: Orphanet 145, MedGen C0677776, MeSH D061325, MONDO:0003582. Disease mechanism: loss of function.

Submissions (12):

Evidence-based Network for the Interpretation of Germline Mutant Alleles (ENIGMA)
Classification: Pathogenic for Breast-ovarian cancer, familial, susceptibility to, 2. Last evaluated: 2016-09-08. Review status: reviewed by expert panel. Criteria: ENIGMA BRCA1/2 Classification Criteria (2015). Collection method: curation. Allele origin: germline.
Comment: Variant allele predicted to encode a truncated non-functional protein.

Genetics Laboratory, Great Ormond Street Hospital NHS Foundation Trust, North Thames Genomic Laboratory Hub
Classification: Pathogenic for Inherited breast cancer and ovarian cancer. Last evaluated: 2026-09-23. Review status: criteria provided, single submitter. Criteria: CanVIG BRCA Gene Specific V1.22. Collection method: clinical testing. Allele origin: germline. Affected: yes. Not counted in ClinVar's aggregate classification.
Comment: PS4_supporting, PM2_moderate, PVS1_very-strong, PM5_strong

Labcorp Genetics (formerly Invitae), Labcorp
Classification: Pathogenic for Hereditary breast ovarian cancer syndrome. Last evaluated: 2025-11-17. Review status: criteria provided, single submitter. Criteria: Invitae Variant Classification Sherloc (09022015). Collection method: clinical testing. Allele origin: germline. Not counted in ClinVar's aggregate classification.
Comment: This sequence change creates a premature translational stop signal (p.Leu2805Serfs*6) in the BRCA2 gene. It is expected to result in an absent or disrupted protein product. Loss-of-function variants in BRCA2 are known to be pathogenic (PMID: 20104584). This variant is not present in population databases (gnomAD no frequency). A set of variants that result in a similar protein effect have been reported in the literature in an individual affected with early-onset breast cancer. In this individual, two variants were described - a frameshift, c.8415_8416delAT (called 8643delAT), and a missense, c.8416T>C (called T8642C). If these two variants are in cis, they would result in the same variant observed here (c.8414_8416delinsC). However, the phase of these variants was not determined in the reported individual (PMID: 12942367). ClinVar contains an entry for this variant (Variation ID: 38159). For these reasons, this variant has been classified as Pathogenic.

Ambry Genetics
Classification: Pathogenic for Hereditary cancer-predisposing syndrome. Last evaluated: 2024-08-16. Review status: criteria provided, single submitter. Criteria: Ambry Variant Classification Scheme 2023. Collection method: clinical testing. Allele origin: germline. Not counted in ClinVar's aggregate classification.
Comment: The c.8414_8416delTATinsC pathogenic mutation, located in coding exon 18 of the BRCA2 gene, results from the deletion of 3 nucleotides and insertion of one nucleotide causing a translational frameshift with a predicted alternate stop codon (p.L2805Sfs*6). This alteration was identified in a large, worldwide study of BRCA1/2 mutation positive families (Rebbeck TR et al. Hum Mutat, 2018 05;39:593-620). This variant is considered to be rare based on population cohorts in the Genome Aggregation Database (gnomAD). In addition to the clinical data presented in the literature, this alteration is expected to result in loss of function by premature protein truncation or nonsense-mediated mRNA decay. As such, this alteration is interpreted as a disease-causing mutation.

GeneDx
Classification: Pathogenic. Last evaluated: 2024-03-27. Review status: criteria provided, single submitter. Criteria: GeneDx Variant Classification Process June 2021. Collection method: clinical testing. Allele origin: germline. Affected: yes. Not counted in ClinVar's aggregate classification.
Comment: Frameshift variant predicted to result in protein truncation or nonsense mediated decay in a gene for which loss of function is a known mechanism of disease; Not observed at significant frequency in large population cohorts (gnomAD); Truncating variants in this gene are considered pathogenic by a well-established clinical consortium and/or database; Observed in individuals with BRCA2-related cancers (PMID: 26150619, 36315513); Also known as 8642del3insC; This variant is associated with the following publications: (PMID: 26150619, 12942367, 29446198, 30787465, 36315513)

Baylor Genetics
Classification: Pathogenic for Familial cancer of breast. Last evaluated: 2022-08-23. Review status: criteria provided, single submitter. Criteria: ACMG Guidelines, 2015. Collection method: clinical testing. Allele origin: unknown. Not counted in ClinVar's aggregate classification.

Department of Pathology and Laboratory Medicine, Sinai Health System
Classification: Pathogenic for Familial cancer of breast; Breast-ovarian cancer, familial, susceptibility to, 2. Last evaluated: 2022-01-04. Review status: criteria provided, single submitter. Criteria: ACMG Guidelines, 2015. Collection method: clinical testing. Allele origin: germline. Affected: yes. Not counted in ClinVar's aggregate classification.

Women's Health and Genetics/Laboratory Corporation of America, LabCorp
Classification: Pathogenic for Hereditary breast and ovarian cancer syndrome. Last evaluated: 2020-11-06. Review status: criteria provided, single submitter. Criteria: LabCorp Variant Classification Summary - May 2015. Collection method: clinical testing. Allele origin: germline. Not counted in ClinVar's aggregate classification.
Comment: Variant summary: BRCA2 c.8414_8416delinsC (p.Leu2805SerfsX6) results in a premature termination codon, predicted to cause a truncation of the encoded protein or absence of the protein due to nonsense mediated decay, which are commonly known mechanisms for disease. Truncations downstream of this position have been classified as pathogenic by our laboratory. The variant was absent in 326 control chromosomes. c.8414_8416delinsC has been reported in the literature in individuals affected with Hereditary Breast And Ovarian Cancer Syndrome and prostate cancer (example, Rebbeck_2018, Waisbren_2015). To our knowledge, no experimental evidence demonstrating an impact on protein function has been reported. Six clinical diagnostic laboratories and one expert panel (ENIGMA) have submitted clinical-significance assessments for this variant to ClinVar after 2014 without evidence for independent evaluation. All submitters classified the variant as pathogenic. Based on the evidence outlined above, the variant was classified as pathogenic.

Quest Diagnostics Nichols Institute San Juan Capistrano
Classification: Pathogenic. Last evaluated: 2019-08-09. Review status: criteria provided, single submitter. Criteria: Quest Diagnostics criteria. Collection method: clinical testing. Allele origin: germline. Not counted in ClinVar's aggregate classification.
Comment: The variant results in a shift of the reading frame, and is therefore predicted to result in the loss of a functional protein. Found in at least one symptomatic patient, and not found in general population data.

Color Diagnostics, LLC DBA Color Health
Classification: Pathogenic for Hereditary cancer-predisposing syndrome. Last evaluated: 2019-07-09. Review status: criteria provided, single submitter. Criteria: ACMG Guidelines, 2015. Collection method: clinical testing. Allele origin: germline. Not counted in ClinVar's aggregate classification.
Comment: This variant deletes 3 nucleotides and inserts 1 nucleotide in exon 19 of the BRCA2 gene, creating a frameshift and a premature translation stop signal. This variant is expected to result in an absent or non-functional protein product. To our knowledge, functional assays have not been performed for this variant. This variant has been reported in an individual affected with breast cancer, prostate cancer, and gastrointestinal stromal tumor and with a family history of male and female breast cancer (PMID: 26150619). This variant has not been identified in the general population by the Genome Aggregation Database (gnomAD). Loss of BRCA2 function is a known mechanism of disease. Based on available evidence, this variant is classified as Pathogenic.

Consortium of Investigators of Modifiers of BRCA1/2 (CIMBA), c/o University of Cambridge
Classification: Pathogenic for Breast-ovarian cancer, familial, susceptibility to, 2. Last evaluated: 2015-10-02. Review status: criteria provided, single submitter. Criteria: CIMBA Mutation Classification guidelines May 2016. Collection method: clinical testing. Allele origin: germline. Not counted in ClinVar's aggregate classification.

Sharing Clinical Reports Project (SCRP)
Classification: Pathogenic for Breast-ovarian cancer, familial 2. Last evaluated: 2008-10-12. Review status: no assertion criteria provided. Collection method: clinical testing. Allele origin: germline. Not counted in ClinVar's aggregate classification.

Literature cited by the submitters: PubMed 20104584 (cited by Labcorp Genetics (formerly Invitae), Labcorp); PubMed 12942367 (cited by 3 submitters); PubMed 26150619 (cited by 3 submitters); PubMed 29446198 (cited by Ambry Genetics and Women's Health and Genetics/Laboratory Corporation of America, LabCorp).